The following is an entry in ClinVar:

NM_019066.5(MAGEL2):c.224del (p.Pro75fs)

Gene: MAGEL2 (MAGE family member L2; minus strand). Cytogenetic location: 15q11.2.
Variant type: Deletion.
Coding change: c.224del on transcript NM_019066.5 (MANE Select); coding-DNA position 224, one base deleted (C; older notation c.224delC).
Protein change: p.Pro75fs; shifts the reading frame from proline 75.
Molecular consequence: frameshift variant.
Genome position (GRCh38, 1-based): chr15:23,647,519, G deleted on the plus strand (C on the coding strand, the reverse complement: MAGEL2 is on the minus strand); the first of 4 consecutive G bases (chr15:23,647,519-23,647,522); deleting any one gives the same sequence. VCF-style (leftmost placement, unchanged base first): chr15-23647518-CG-C. GRCh37 (hg19) VCF-style: chr15-23892665-CG-C.
Other names: short protein forms P75fs.
Identifiers: ClinVar variation 1343114 (VCV001343114.2), dbSNP rs2140719261, ClinGen allele CA2573053973.

ClinVar aggregate classification (germline): Likely pathogenic. Review status: criteria provided, multiple submitters, no conflicts (2 of 4 stars). 2 submissions from 2 submitters: Likely pathogenic (2). Last evaluated 2024-02-27.

Conditions:
Developmental disorder. Identifiers: MedGen C0008073.
Schaaf-Yang syndrome (SHFYNG). Also called: MAGEL2-related Prader-Willi-like syndrome; Arthrogryposis, distal, with hypopituitarism, intellectual disability, and facial anomalies. Identifiers: Orphanet 398069, MedGen C5575066, MONDO:0014243, OMIM 615547.

Submissions (2):

3billion
Classification: Likely pathogenic for Schaaf-Yang syndrome. Last evaluated: 2024-02-27. Review status: criteria provided, single submitter. Criteria: ACMG Guidelines, 2015. Collection method: clinical testing. Allele origin: germline. Affected: yes.
Comment: The variant is not observed in the gnomAD v2.1.1 dataset. Predicted Consequence/Location: Frameshift: predicted to result in a loss or disruption of normal protein function through protein truncation. The predicted truncated protein may be shortened by more than 10%. The variant has been reported to be associated with MAGEL2 related disorder (ClinVar ID: VCV001343114 /PMID: 30302899). Therefore, this variant is classified as Likely pathogenic according to the recommendation of ACMG/AMP guideline.

Department of Genetics, Rouen University Hospital, Normandy Center for Genomic and Personalized Medicine
Classification: Likely pathogenic for Developmental disorder. Last evaluated: 2021-08-11. Review status: criteria provided, single submitter. Criteria: ACMG Guidelines, 2015. Collection method: clinical testing. Allele origin: paternal. Affected: yes.

Literature cited by the submitters: PubMed 30302899 (cited by 3billion).